The following is an entry in ClinVar:

NM_000260.4(MYO7A):c.19-34G>A

Gene: MYO7A (myosin VIIA; plus strand). Cytogenetic location: 11q13.5.
Variant type: single nucleotide variant.
Coding change: c.19-34G>A on transcript NM_000260.4 (MANE Select); 34 bases into the intron before coding-DNA position 19, G replaced by A.
Molecular consequence: intron variant.
Genome position (GRCh38, 1-based): chr11:77,142,675, G>A. VCF-style: chr11-77142675-G-A. GRCh37 (hg19) VCF-style: chr11-76853721-G-A.
Other names: c.-15-34G>A (NM_001369365.1); c.19-34G>A (NM_001127180.2).
Identifiers: ClinVar variation 677340 (VCV000677340.1), dbSNP rs139571031, ClinGen allele CA6196996.

ClinVar aggregate classification (germline): Likely benign (1 of 4 stars; one submission).

Allele frequency attached by ClinVar (database versions not stated): gnomAD exomes 0.00038 and 0.00129; gnomAD 0.00046 and 0.00066; TOPMed 0.00061; ExAC 0.00159; 1000 Genomes Project 30x 0.00312; 1000 Genomes Project 0.00359.
gnomAD v4.1: 683 of 1,563,806 alleles (0.044%); highest among the groups gnomAD compares: East Asian, 1.2%; 7 homozygotes.

Submission:

GeneDx
Classification: Likely benign. Last evaluated: 2018-06-16. Review status: criteria provided, single submitter. Criteria: GeneDx Variant Classification (06012015). Collection method: clinical testing. Allele origin: germline. Affected: yes.
Comment: This variant is considered likely benign or benign based on one or more of the following criteria: it is a conservative change, it occurs at a poorly conserved position in the protein, it is predicted to be benign by multiple in silico algorithms, and/or has population frequency not consistent with disease.